The following is an entry in ClinVar:

NM_001379110.1(SLC9A6):c.370G>A (p.Val124Ile)

Gene: SLC9A6 (solute carrier family 9 member A6; plus strand). Cytogenetic location: Xq26.3.
Variant type: single nucleotide variant.
Coding change: c.370G>A on transcript NM_001379110.1 (MANE Select); coding-DNA position 370, G replaced by A.
Protein change: p.Val124Ile; replaces valine 124 with isoleucine.
Molecular consequence: missense variant.
Genome position (GRCh38, 1-based): chrX:135,998,108, G>A. VCF-style: chrX-135998108-G-A. GRCh37 (hg19) VCF-style: chrX-135080267-G-A.
Other names: c.526G>A, p.Val176Ile (NM_001042537.2); c.370G>A, p.Val124Ile (NM_001177651.2); c.274G>A, p.Val92Ile (NM_001330652.2); c.430G>A, p.Val144Ile (NM_006359.3); short protein forms V144I, V176I, V92I, V124I.
Identifiers: ClinVar variation 514638 (VCV000514638.1), dbSNP rs1556616820, ClinGen allele CA414749689.

ClinVar aggregate classification (germline): Likely benign (1 of 4 stars; one submission).

Allele frequency attached by ClinVar (database versions not stated): TOPMed below 0.00001.

Submission:

GeneDx
Classification: Likely benign. Last evaluated: 2018-02-22. Review status: criteria provided, single submitter. Criteria: GeneDx Variant Classification (06012015). Collection method: clinical testing. Allele origin: germline. Affected: yes.
Comment: This variant is considered likely benign or benign based on one or more of the following criteria: it is a conservative change, it occurs at a poorly conserved position in the protein, it is predicted to be benign by multiple in silico algorithms, and/or has population frequency not consistent with disease.